The following is an entry in ClinVar:

NM_080425.4(GNAS):c.2041A>G (p.Met681Val)

Gene: GNAS (GNAS complex locus; plus strand). Cytogenetic location: 20q13.32.
Variant type: single nucleotide variant.
Coding change: c.2041A>G on transcript NM_080425.4 (MANE Plus Clinical); coding-DNA position 2041, A replaced by G.
Protein change: p.Met681Val; replaces methionine 681 with valine.
Molecular consequence: missense variant. On other transcripts: synonymous variant (2), intron variant (3).
Genome position (GRCh38, 1-based): chr20:58,855,306, A>G. VCF-style: chr20-58855306-A-G. GRCh37 (hg19) VCF-style: chr20-57430361-A-G.
Other names: c.1854A>G, p.Thr618= (NM_001077490.3, NM_001309883.1); c.2041A>G, p.Met681Val (NM_001410913.1); c.*42+14420A>G (NM_016592.5); c.43+14420A>G (NM_001410912.1); c.-39+13431A>G (NM_001309861.2); short protein forms M681V.
Identifiers: ClinVar variation 4983773 (VCV004983773.1).
Genomic context (GRCh38, chr20:58,855,306, plus strand): 5'-GCAGAGAAGAAACGCAGTAAGCTCATCGACAAACAACTCCAGGACGAAAAGATGGGCTAC[A>G]TGTGTACGCACCGCCTGCTGCTTCTAGGTAATGCGGCGGACTCTGCCTGCGGGCAGCAGG-3'
Protein context (NP_536350.2, residues 671-691): KQLQDEKMGY[Met681Val]CTHRLLLLGA

ClinVar aggregate classification (germline): Uncertain significance (1 of 4 stars; one submission).

Conditions:
GNAS-related disorder. Identifiers: MedGen CN380105.

gnomAD v4.1: 3 of 1,579,246 alleles (0.00019%); highest among the groups gnomAD compares: Non-Finnish European, 0.00026%; no homozygotes.

Submission:

PreventionGenetics, part of Exact Sciences
Classification: Uncertain significance for GNAS-related condition. Last evaluated: 2025-04-30. Review status: criteria provided, single submitter. Criteria: ACMG Guidelines, 2015. Collection method: clinical testing. Allele origin: germline.
Comment: The GNAS c.2041A>G variant is predicted to result in the amino acid substitution p.Met681Val. To our knowledge, this variant has not been reported in the literature or in a large population database (gnomAD), indicating this variant is rare. In an alternate transcript listed in the Human Gene Mutation Database (NM_000516.5), this variant is pre-coding (c.-36421A>G). At this time, the clinical significance of this variant is uncertain due to the absence of conclusive functional and genetic evidence.